The following is an entry in ClinVar:

ClinVar aggregate classification (germline): Uncertain significance (1 of 4 stars; one submission).

gnomAD v4.1: 9 of 1,609,676 alleles (0.00056%); highest among the groups gnomAD compares: Non-Finnish European, 0.00076%; no homozygotes.

Submission:

Labcorp Genetics (formerly Invitae), Labcorp
Classification: Uncertain significance. Last evaluated: 2021-08-02. Review status: criteria provided, single submitter. Criteria: Invitae Variant Classification Sherloc (09022015). Collection method: clinical testing. Allele origin: germline.
Comment: This sequence change replaces glutamine with leucine at codon 750 of the TRIOBP protein (p.Gln750Leu). The glutamine residue is weakly conserved and there is a moderate physicochemical difference between glutamine and leucine. This variant is not present in population databases (ExAC no frequency). In summary, the available evidence is currently insufficient to determine the role of this variant in disease. Therefore, it has been classified as a Variant of Uncertain Significance. Algorithms developed to predict the effect of missense changes on protein structure and function are either unavailable or do not agree on the potential impact of this missense change (SIFT: "Deleterious"; PolyPhen-2: "Benign"; Align-GVGD: "Class C0"). This variant has not been reported in the literature in individuals affected with TRIOBP-related conditions.

NM_001039141.3(TRIOBP):c.2249A>T (p.Gln750Leu)

Gene: TRIOBP (TRIO and F-actin binding protein; plus strand). Cytogenetic location: 22q13.1.
Variant type: single nucleotide variant.
Coding change: c.2249A>T on transcript NM_001039141.3 (MANE Select); coding-DNA position 2249, A replaced by T.
Protein change: p.Gln750Leu; replaces glutamine 750 with leucine.
Molecular consequence: missense variant.
Genome position (GRCh38, 1-based): chr22:37,724,805, A>T. VCF-style: chr22-37724805-A-T. GRCh37 (hg19) VCF-style: chr22-38120812-A-T.
Other names: short protein forms Q750L.
Identifiers: ClinVar variation 1495163 (VCV001495163.6), dbSNP rs538895783, ClinGen allele CA411467880.